The following is an entry in ClinVar:

NM_001040108.2(MLH3):c.1307_1308del (p.Asn436fs)

Gene: MLH3 (mutL homolog 3; minus strand). Cytogenetic location: 14q24.3.
Variant type: Deletion.
Coding change: c.1307_1308del on transcript NM_001040108.2 (MANE Select); coding-DNA positions 1307 to 1308, 2 bases deleted (AT; older notation c.1307_1308delAT).
Protein change: p.Asn436fs; shifts the reading frame from asparagine 436.
Molecular consequence: frameshift variant.
Genome position (GRCh38, 1-based): chr14:75,048,348-75,048,349, AT deleted on the plus strand (AT on the coding strand, the reverse complement: MLH3 is on the minus strand). VCF-style (leftmost placement, unchanged base first): chr14-75048347-CAT-C. GRCh37 (hg19) VCF-style: chr14-75515050-CAT-C.
Other names: c.1307_1308del, p.Asn436fs (NM_014381.3); short protein forms N436fs.
Identifiers: ClinVar variation 3873444 (VCV003873444.2).

ClinVar aggregate classification (germline): Pathogenic (1 of 4 stars; one submission).

Submission:

Ambry Genetics
Classification: Pathogenic. Last evaluated: 2026-05-29. Review status: criteria provided, single submitter. Criteria: Ambry Variant Classification Scheme 2023. Collection method: clinical testing. Allele origin: germline.
Comment: The c.1307_1308delAT pathogenic mutation, located in coding exon 1 of the MLH3 gene, results from a deletion of two nucleotides at nucleotide positions 1307 to 1308, causing a translational frameshift with a predicted alternate stop codon (p.N436Rfs*8). This variant is considered to be rare based on population cohorts in the Genome Aggregation Database (gnomAD). This alteration is expected to result in loss of function by premature protein truncation or nonsense-mediated mRNA decay. As such, this alteration is interpreted as a disease-causing mutation.